The following is an entry in ClinVar:

NM_032383.5(HPS3):c.2509_2515del (p.Ile837fs)

Genes: CP (ceruloplasmin; minus strand), HPS3 (HPS3 biogenesis of lysosomal organelles complex 2 subunit 1; plus strand). Cytogenetic location: 3q24.
Variant type: Deletion.
Coding change: c.2509_2515del on transcript NM_032383.5 (MANE Select); coding-DNA positions 2509 to 2515, 7 bases deleted (ATTTATC; older notation c.2509_2515delATTTATC).
Protein change: p.Ile837fs; shifts the reading frame from isoleucine 837.
Molecular consequence: frameshift variant.
Genome position (GRCh38, 1-based): chr3:149,163,869-149,163,875, ATTTATC deleted. VCF-style (leftmost placement, unchanged base first): chr3-149163868-AATTTATC-A. GRCh37 (hg19) VCF-style: chr3-148881655-AATTTATC-A.
Other names: c.2014_2020del, p.Ile672fs (NM_001308258.2); short protein forms I672fs, I837fs.
Identifiers: ClinVar variation 5010361 (VCV005010361.1).

ClinVar aggregate classification (germline): Pathogenic (1 of 4 stars; one submission).

Conditions:
Hermansky-Pudlak syndrome 3 (HPS3). Identifiers: Orphanet 231512, Orphanet 79430, MedGen C3888001, MONDO:0013555, OMIM 614072.

Submission:

Myriad Genetics, Inc.
Classification: Pathogenic for Hermansky-Pudlak syndrome 3. Last evaluated: 2024-05-14. Review status: criteria provided, single submitter. Criteria: Myriad Autosomal Dominant, Autosomal Recessive and X-Linked Classification Criteria (2023). Collection method: clinical testing. Allele origin: unknown.
Comment: NM_032383.3(HPS3):c.2509_2515del7(I837Hfs*6) is expected to be pathogenic in the context of Hermansky-Pudlak syndrome, HPS3-related. This variant is predicted to lead to an abnormal or absent protein product due to the creation of a premature termination codon in HPS3, a gene where loss-of-function variants are known to be pathogenic. Please note: this variant was assessed in the context of healthy population screening.